The following is an entry in ClinVar:

NM_001378609.3(OTOGL):c.5702T>C (p.Ile1901Thr)

Gene: OTOGL (otogelin like; plus strand). Cytogenetic location: 12q21.31.
Variant type: single nucleotide variant.
Coding change: c.5702T>C on transcript NM_001378609.3 (MANE Select); coding-DNA position 5702, T replaced by C.
Protein change: p.Ile1901Thr; replaces isoleucine 1901 with threonine.
Molecular consequence: missense variant.
Genome position (GRCh38, 1-based): chr12:80,355,844, T>C. VCF-style: chr12-80355844-T-C. GRCh37 (hg19) VCF-style: chr12-80749624-T-C.
Other names: c.5567T>C, p.Ile1856Thr (NM_001368062.3); c.5702T>C, p.Ile1901Thr (NM_001378610.3, NM_173591.7); short protein forms I1892T, I1856T, I1901T.
Identifiers: ClinVar variation 498662 (VCV000498662.23), dbSNP rs775475186, ClinGen allele CA6701785.
Genomic context (GRCh38, chr12:80,355,844, plus strand): 5'-ATGGGGGCATTGATGAATGCACTCTATACAAATGTTTGGAGAATGGAAGCATTATCCCTA[T>C]AGAACCTGACTGTGATGAAGAGCCCACGCCAGTTTGTGAACGAGAAGCTGAAGTTGTCAT-3'
Protein context (NP_001365538.2, residues 1891-1911): KCLENGSIIP[Ile1901Thr]EPDCDEEPTP

ClinVar aggregate classification (germline): Conflicting classifications of pathogenicity. Review status: criteria provided, conflicting classifications (1 of 4 stars). 6 submissions from 6 submitters: Uncertain significance (5); Likely benign (1). Last evaluated 2026-06-10.

Conditions:
OTOGL-related disorder. Also called: OTOGL-related condition.
Inborn genetic diseases. Identifiers: MedGen C0950123, MeSH D030342.

Allele frequency attached by ClinVar (database versions not stated): ExAC 0.00006; gnomAD 0.00007 and 0.00009; gnomAD exomes 0.00009; TOPMed 0.00011.
gnomAD v4.1: 152 of 1,613,846 alleles (0.0094%); highest among the groups gnomAD compares: Admixed American, 0.028%; 1 homozygote.

Submissions (6):

PreventionGenetics, part of Exact Sciences
Classification: Uncertain significance for OTOGL-related condition. Last evaluated: 2026-06-10. Review status: criteria provided, single submitter. Criteria: ACMG Guidelines, 2015. Collection method: clinical testing. Allele origin: germline.
Comment: The OTOGL c.5675T>C variant is predicted to result in the amino acid substitution p.Ile1892Thr. To our knowledge, this variant has not been reported in the literature. This variant is reported in 0.020% of alleles in individuals of Latino descent in gnomAD. At this time, the clinical significance of this variant is uncertain due to the absence of conclusive functional and genetic evidence.

Labcorp Genetics (formerly Invitae), Labcorp
Classification: Uncertain significance. Last evaluated: 2025-10-21. Review status: criteria provided, single submitter. Criteria: Invitae Variant Classification Sherloc (09022015). Collection method: clinical testing. Allele origin: germline.
Comment: This sequence change replaces isoleucine, which is neutral and non-polar, with threonine, which is neutral and polar, at codon 1892 of the OTOGL protein (p.Ile1892Thr). This variant is present in population databases (rs775475186, gnomAD 0.02%). This variant has not been reported in the literature in individuals affected with OTOGL-related conditions. ClinVar contains an entry for this variant (Variation ID: 498662). An algorithm developed to predict the effect of missense changes on protein structure and function outputs the following: PolyPhen-2: "Benign". The threonine amino acid residue is found in multiple mammalian species, which suggests that this missense change does not adversely affect protein function. Algorithms developed to predict the effect of sequence changes on RNA splicing suggest that this variant may create or strengthen a splice site. In summary, the available evidence is currently insufficient to determine the role of this variant in disease. Therefore, it has been classified as a Variant of Uncertain Significance.

GeneDx
Classification: Uncertain significance. Last evaluated: 2025-09-16. Review status: criteria provided, single submitter. Criteria: GeneDx Variant Classification Process June 2021. Collection method: clinical testing. Allele origin: germline. Affected: yes.
Comment: In silico analysis supports that this missense variant has a deleterious effect on protein structure/function; Has not been previously published as pathogenic or benign to our knowledge; In silico analysis suggests this variant may impact gene splicing. In the absence of RNA/functional studies, the actual effect of this sequence change is unknown.

Ambry Genetics
Classification: Uncertain significance for Inborn genetic diseases. Last evaluated: 2025-06-18. Review status: criteria provided, single submitter. Criteria: Ambry Variant Classification Scheme 2023. Collection method: clinical testing. Allele origin: germline.

Laboratory for Molecular Medicine, Mass General Brigham Personalized Medicine
Classification: Likely benign. Last evaluated: 2018-03-01. Review status: criteria provided, single submitter. Criteria: LMM Criteria. Collection method: clinical testing. Allele origin: germline. Inheritance: Autosomal recessive inheritance. Observed: 1 variant allele.
Comment: p.Ile1892Thr in exon 46 of OTOGL: This variant is likely benign because the isol eucine (Ile) at position 1892 is not conserved in mammals, and 3 mammals carry a Threonine (Thr) at this position. This variant is present in 23/274376 total c hromosomes in the Genome Aggregation Consortium, and all 23 individuals also har bored the pathogenic c.4987C>T (p.Arg1663X) variant in OTOGL, indicating that th ese variants are highly likely to be in cis (gnomAD; dbSNP rs775475186 and rs377708973, personal communication). ACMG/AMP Crit eria applied: BS3_Strong.

Eurofins Ntd Llc (ga)
Classification: Uncertain significance. Last evaluated: 2016-12-08. Review status: criteria provided, single submitter. Criteria: EGL Classification Definitions 2015. Collection method: clinical testing. Allele origin: germline. Observed: 1 variant allele, 1 heterozygote.